The following is an entry in ClinVar:

NM_020485.8(RHCE):c.150C>T (p.Val50=)

Gene: RHCE (Rh blood group CcEe antigens; minus strand). Cytogenetic location: 1p36.11.
Variant type: single nucleotide variant.
Coding change: c.150C>T on transcript NM_020485.8 (MANE Select); coding-DNA position 150, C replaced by T.
Protein change: p.Val50=; no amino-acid change (valine 50 retained).
Molecular consequence: synonymous variant.
Genome position (GRCh38, 1-based): chr1:25,408,868, G>A on the plus strand (C>T on the coding strand, the complement: RHCE is on the minus strand). VCF-style: chr1-25408868-G-A. GRCh37 (hg19) VCF-style: chr1-25735359-G-A.
Other names: c.150C>T, p.Val50= (NM_001330430.4, NM_138616.5, NM_138617.5 and 1 more transcripts).
Identifiers: ClinVar variation 5038939 (VCV005038939.1).
Genomic context (GRCh38, chr1:25,408,868, plus strand): 5'-CCGGAAATTTGAGGTGAGGAAGCCCAAGCCAAGGGCCGCCATCACGGTCAGATCTTGGCC[G>A]ACTGCTCGGTGGGGAGATGGTGAGAAGGAGGAGGGGGAAGCAGACGAGATTTAGGGTGGT-3'
Protein context (NP_065231.4, residues 40-60): DQKGLVASYQ[Val50=]GQDLTVMAAL

ClinVar aggregate classification (germline): Likely benign (1 of 4 stars; one submission).

gnomAD v4.1: 69 of 1,283,052 alleles (0.0054%); highest among the groups gnomAD compares: Admixed American, 0.09%; 16 homozygotes.

Submission:

CeGaT Center for Human Genetics Tuebingen
Classification: Likely benign. Last evaluated: 2026-08-01. Review status: criteria provided, single submitter. Criteria: CeGaT Center For Human Genetics Tuebingen Variant Classification Criteria Version 2. Collection method: clinical testing. Allele origin: germline. Affected: yes. Observed: 1 variant allele.
Comment: RHCE: BP4, BP7, BS2